The following is an entry in ClinVar:

NM_006361.6(HOXB13):c.193C>T (p.Pro65Ser)

Gene: HOXB13 (homeobox B13; minus strand). Cytogenetic location: 17q21.32.
Variant type: single nucleotide variant.
Coding change: c.193C>T on transcript NM_006361.6 (MANE Select); coding-DNA position 193, C replaced by T.
Protein change: p.Pro65Ser; replaces proline 65 with serine.
Molecular consequence: missense variant.
Genome position (GRCh38, 1-based): chr17:48,728,401, G>A on the plus strand (C>T on the coding strand, the complement: HOXB13 is on the minus strand). VCF-style: chr17-48728401-G-A. GRCh37 (hg19) VCF-style: chr17-46805763-G-A.
Other names: short protein forms P65S.
Identifiers: ClinVar variation 1783030 (VCV001783030.2), dbSNP rs2509515787, ClinGen allele CA400107950.

ClinVar aggregate classification (germline): Uncertain significance (1 of 4 stars; one submission).

Conditions:
Hereditary cancer-predisposing syndrome. Also called: Neoplastic Syndromes, Hereditary; Tumor predisposition; Hereditary Cancer Syndrome; Hereditary neoplastic syndrome. Identifiers: Orphanet 140162, MedGen C0027672, MeSH D009386, MONDO:0015356.

Submission:

Ambry Genetics
Classification: Uncertain significance for Hereditary cancer-predisposing syndrome. Last evaluated: 2020-07-14. Review status: criteria provided, single submitter. Criteria: Ambry Variant Classification Scheme 2023. Collection method: clinical testing. Allele origin: germline.
Comment: The p.P65S variant (also known as c.193C>T), located in coding exon 1 of the HOXB13 gene, results from a C to T substitution at nucleotide position 193. The proline at codon 65 is replaced by serine, an amino acid with similar properties. This amino acid position is highly conserved in available vertebrate species. In addition, the in silico prediction for this alteration is inconclusive. Since supporting evidence is limited at this time, the clinical significance of this alteration remains unclear.